The following is an entry in ClinVar:

NM_000271.5(NPC1):c.2286_2287dup (p.Phe763fs)

Gene: NPC1 (NPC intracellular cholesterol transporter 1; minus strand). Cytogenetic location: 18q11.2.
Variant type: Microsatellite.
Coding change: c.2286_2287dup on transcript NM_000271.5 (MANE Select); coding-DNA positions 2286 to 2287, 2 bases duplicated (CT; older notation c.2286_2287dupCT).
Protein change: p.Phe763fs; shifts the reading frame from phenylalanine 763.
Molecular consequence: frameshift variant.
Genome position (GRCh38, 1-based): chr18:23,541,392-23,541,393, AG duplicated on the plus strand (CT on the coding strand, the reverse complement: NPC1 is on the minus strand); duplicating any 2 consecutive bases within chr18:23,541,392-23,541,400 gives the same sequence; the c. name uses the placement nearest the transcript's 3' end. VCF-style (leftmost placement, unchanged base first): chr18-23541391-A-AAG. GRCh37 (hg19) VCF-style: chr18-21121355-A-AAG.
Other names: short protein forms F763fs.
Identifiers: ClinVar variation 5014322 (VCV005014322.1).

ClinVar aggregate classification (germline): Pathogenic (1 of 4 stars; one submission).

Conditions:
Niemann-Pick disease, type C1. Also called: NEUROVISCERAL STORAGE DISEASE WITH VERTICAL SUPRANUCLEAR OPHTHALMOPLEGIA; NIEMANN-PICK DISEASE WITH CHOLESTEROL ESTERIFICATION BLOCK; NIEMANN-PICK DISEASE WITHOUT SPHINGOMYELINASE DEFICIENCY; NIEMANN-PICK DISEASE, CHRONIC NEURONOPATHIC FORM; NIEMANN-PICK DISEASE, VARIANT TYPE C1. Identifiers: Orphanet 646, MedGen C3179455, MONDO:0009757, OMIM 257220.

Submission:

Myriad Genetics, Inc.
Classification: Pathogenic for Niemann-Pick disease, type C1. Last evaluated: 2025-04-12. Review status: criteria provided, single submitter. Criteria: Myriad Autosomal Dominant, Autosomal Recessive and X-Linked Classification Criteria (2023). Collection method: clinical testing. Allele origin: unknown.
Comment: NM_000271.4(NPC1):c.2286_2287dupCT(F763Sfs*19) is expected to be pathogenic in the context of Niemann-Pick disease type C1. This variant is predicted to lead to an abnormal or absent protein product due to the creation of a premature termination codon in NPC1, a gene where loss-of-function variants are known to be pathogenic. Please note: this variant was assessed in the context of healthy population screening.